The following is an entry in ClinVar:

NM_020928.2(ZSWIM6):c.556_557del (p.Ala186fs)

Gene: ZSWIM6 (zinc finger SWIM-type containing 6; plus strand). Cytogenetic location: 5q12.1.
Variant type: Deletion.
Coding change: c.556_557del on transcript NM_020928.2 (MANE Select); coding-DNA positions 556 to 557, 2 bases deleted (GC; older notation c.556_557delGC).
Protein change: p.Ala186fs; shifts the reading frame from alanine 186.
Molecular consequence: frameshift variant.
Genome position (GRCh38, 1-based): chr5:61,332,828-61,332,829, GC deleted. VCF-style (leftmost placement, unchanged base first): chr5-61332827-GGC-G. GRCh37 (hg19) VCF-style: chr5-60628654-GGC-G.
Other names: short protein forms A186fs.
Identifiers: ClinVar variation 4883965 (VCV004883965.2).
Genomic context (GRCh38, chr5:61,332,827, plus strand): 5'-CGCAACCTCGGCCGCCGCCGCCGCTGCCGCCGCCGCCGCCGCCGCCGCCGCCGCCGCGGG[GGC>G]CGGGGCCCCGTCGGTGGGGGCTGCCGGGGCGGCGGACGGCGGCGACGAGACGCGGCTGCC-3'

ClinVar aggregate classification (germline): Uncertain significance (1 of 4 stars; one submission).

Conditions:
Neurodevelopmental disorder with movement abnormalities, abnormal gait, and autistic features. Identifiers: MedGen C4693405, MONDO:0060642, OMIM 617865.

Submission:

Dasa
Classification: Uncertain significance for Neurodevelopmental disorder with movement abnormalities, abnormal gait, and autistic features. Last evaluated: 2026-04-05. Review status: criteria provided, single submitter. Criteria: DASA Assertion Criteria. Collection method: clinical testing. Allele origin: germline.
Comment: NM_020928.2(ZSWIM6):c.556_557del (p.Ala186Argfs*67) is a frameshift variant in ZSWIM6 predicted to alter the reading frame and introduce a premature termination codon and is predicted to result in an absent or altered protein product. Published studies describe this variant in association with related phenotype (PMID: 29198722). Also, this variant is absent from population databases. The currently available literature and clinical evidence are not sufficient to establish a definitive association between this variant and the reported condition. Therefore, this variant is classified as a variant of uncertain significance.

Literature cited by the submitters: PubMed 29198722.